The following is an entry in ClinVar:

ClinVar aggregate classification (germline): Uncertain significance. Review status: criteria provided, multiple submitters, no conflicts (2 of 4 stars). 3 submissions from 3 submitters: Uncertain significance (2). 1 of the submissions does not count toward it. Last evaluated 2025-12-24.

Conditions:
KBTBD13-related disorder. Also called: KBTBD13-related condition.
Inborn genetic diseases. Identifiers: MedGen C0950123, MeSH D030342.
Nemaline myopathy 6 (NEM6). Also called: Nemaline myopathy 6, autosomal dominant. Identifiers: Orphanet 171439, MedGen C1836472, MONDO:0012237, OMIM 609273.

Allele frequency attached by ClinVar (database versions not stated): ExAC below 0.00001; TOPMed 0.00011; gnomAD 0.00014 and 0.00015.

Submissions (3):

Labcorp Genetics (formerly Invitae), Labcorp
Classification: Uncertain significance for Nemaline myopathy 6. Last evaluated: 2025-12-24. Review status: criteria provided, single submitter. Criteria: Invitae Variant Classification Sherloc (09022015). Collection method: clinical testing. Allele origin: germline.
Comment: This sequence change replaces proline, which is neutral and non-polar, with glutamine, which is neutral and polar, at codon 91 of the KBTBD13 protein (p.Pro91Gln). The frequency data for this variant in the population databases is considered unreliable, as metrics indicate poor data quality at this position in the gnomAD database. This variant has not been reported in the literature in individuals affected with KBTBD13-related conditions. ClinVar contains an entry for this variant (Variation ID: 577515). Invitae Evidence Modeling of protein sequence and biophysical properties (such as structural, functional, and spatial information, amino acid conservation, physicochemical variation, residue mobility, and thermodynamic stability) indicates that this missense variant is not expected to disrupt KBTBD13 protein function with a negative predictive value of 80%. In summary, the available evidence is currently insufficient to determine the role of this variant in disease. Therefore, it has been classified as a Variant of Uncertain Significance.

Ambry Genetics
Classification: Uncertain significance for Inborn genetic diseases. Last evaluated: 2024-08-12. Review status: criteria provided, single submitter. Criteria: Ambry Variant Classification Scheme 2023. Collection method: clinical testing. Allele origin: germline.

PreventionGenetics, part of Exact Sciences
Classification: Uncertain significance for KBTBD13-related condition. Last evaluated: 2023-11-29. Review status: no assertion criteria provided. Collection method: clinical testing. Allele origin: germline. Not counted in ClinVar's aggregate classification.
Comment: The KBTBD13 c.272C>A variant is predicted to result in the amino acid substitution p.Pro91Gln. To our knowledge, this variant has not been reported in the literature. This variant is reported in 0.020% of alleles in individuals of European (Non-Finnish) descent in gnomAD. At this time, the clinical significance of this variant is uncertain due to the absence of conclusive functional and genetic evidence.

NM_001101362.3(KBTBD13):c.272C>A (p.Pro91Gln)

Gene: KBTBD13 (kelch repeat and BTB domain containing 13; plus strand). Cytogenetic location: 15q22.31.
Variant type: single nucleotide variant.
Coding change: c.272C>A on transcript NM_001101362.3 (MANE Select); coding-DNA position 272, C replaced by A.
Protein change: p.Pro91Gln; replaces proline 91 with glutamine.
Molecular consequence: missense variant.
Genome position (GRCh38, 1-based): chr15:65,077,087, C>A. VCF-style: chr15-65077087-C-A. GRCh37 (hg19) VCF-style: chr15-65369425-C-A.
Other names: short protein forms P91Q.
Identifiers: ClinVar variation 577515 (VCV000577515.13), dbSNP rs773454367, ClinGen allele CA7613916.